The following is an entry in ClinVar:

ClinVar aggregate classification (germline): Uncertain significance (1 of 4 stars; one submission).

Allele frequency attached by ClinVar (database versions not stated): ExAC 0.00001; gnomAD 0.00002; TOPMed 0.00005; ESP Exome Variant Server 0.00008; 1000 Genomes Project 30x 0.00016; 1000 Genomes Project 0.00020.
gnomAD v4.1: 3 of 1,613,212 alleles (0.00019%); highest among the groups gnomAD compares: African/African-American, 0.004%; no homozygotes.

Submission:

Labcorp Genetics (formerly Invitae), Labcorp
Classification: Uncertain significance. Last evaluated: 2023-05-15. Review status: criteria provided, single submitter. Criteria: Invitae Variant Classification Sherloc (09022015). Collection method: clinical testing. Allele origin: germline.
Comment: This variant is present in population databases (rs142528634, gnomAD 0.007%). This variant has not been reported in the literature in individuals affected with IGF1R-related conditions. Advanced modeling of protein sequence and biophysical properties (such as structural, functional, and spatial information, amino acid conservation, physicochemical variation, residue mobility, and thermodynamic stability) performed at Invitae indicates that this missense variant is not expected to disrupt IGF1R protein function. In summary, the available evidence is currently insufficient to determine the role of this variant in disease. Therefore, it has been classified as a Variant of Uncertain Significance. This sequence change replaces aspartic acid, which is acidic and polar, with glycine, which is neutral and non-polar, at codon 243 of the IGF1R protein (p.Asp243Gly).

NM_000875.5(IGF1R):c.728A>G (p.Asp243Gly)

Gene: IGF1R (insulin like growth factor 1 receptor; plus strand). Cytogenetic location: 15q26.3.
Variant type: single nucleotide variant.
Coding change: c.728A>G on transcript NM_000875.5 (MANE Select); coding-DNA position 728, A replaced by G.
Protein change: p.Asp243Gly; replaces aspartic acid 243 with glycine.
Molecular consequence: missense variant.
Genome position (GRCh38, 1-based): chr15:98,891,412, A>G. VCF-style: chr15-98891412-A-G. GRCh37 (hg19) VCF-style: chr15-99434641-A-G.
Other names: c.728A>G, p.Asp243Gly (NM_001291858.2); short protein forms D243G.
Identifiers: ClinVar variation 2791832 (VCV002791832.3), dbSNP rs142528634, ClinGen allele CA7751883.